The following is an entry in ClinVar:

NM_001012339.3(DNAJC21):c.449C>G (p.Pro150Arg)

Gene: DNAJC21 (DnaJ heat shock protein family (Hsp40) member C21; plus strand). Cytogenetic location: 5p13.2.
Variant type: single nucleotide variant.
Coding change: c.449C>G on transcript NM_001012339.3 (MANE Select); coding-DNA position 449, C replaced by G.
Protein change: p.Pro150Arg; replaces proline 150 with arginine.
Molecular consequence: missense variant.
Genome position (GRCh38, 1-based): chr5:34,937,336, C>G. VCF-style: chr5-34937336-C-G. GRCh37 (hg19) VCF-style: chr5-34937441-C-G.
Other names: c.449C>G, p.Pro150Arg (NM_001348420.2, NM_194283.4); short protein forms P150R.
Identifiers: ClinVar variation 1396002 (VCV001396002.8), dbSNP rs2112037992, ClinGen allele CA359414158.

ClinVar aggregate classification (germline): Uncertain significance (1 of 4 stars; one submission).

Submission:

Labcorp Genetics (formerly Invitae), Labcorp
Classification: Uncertain significance. Last evaluated: 2021-02-02. Review status: criteria provided, single submitter. Criteria: Invitae Variant Classification Sherloc (09022015). Collection method: clinical testing. Allele origin: germline.
Comment: In summary, the available evidence is currently insufficient to determine the role of this variant in disease. Therefore, it has been classified as a Variant of Uncertain Significance. Algorithms developed to predict the effect of missense changes on protein structure and function are either unavailable or do not agree on the potential impact of this missense change (SIFT: "Tolerated"; PolyPhen-2: "Possibly Damaging"; Align-GVGD: "Class C0"). This variant has not been reported in the literature in individuals with DNAJC21-related conditions. This variant is not present in population databases (ExAC no frequency). This sequence change replaces proline with arginine at codon 150 of the DNAJC21 protein (p.Pro150Arg). The proline residue is moderately conserved and there is a moderate physicochemical difference between proline and arginine.